The following is an entry in ClinVar:

NM_001999.4(FBN2):c.5078T>G (p.Ile1693Ser)

Gene: FBN2 (fibrillin 2; minus strand). Cytogenetic location: 5q23.3.
Variant type: single nucleotide variant.
Coding change: c.5078T>G on transcript NM_001999.4 (MANE Select); coding-DNA position 5078, T replaced by G.
Protein change: p.Ile1693Ser; replaces isoleucine 1693 with serine.
Molecular consequence: missense variant.
Genome position (GRCh38, 1-based): chr5:128,310,105, A>C on the plus strand (T>G on the coding strand, the complement: FBN2 is on the minus strand). VCF-style: chr5-128310105-A-C. GRCh37 (hg19) VCF-style: chr5-127645797-A-C.
Other names: short protein forms I1693S.
Identifiers: ClinVar variation 2420715 (VCV002420715.4), dbSNP rs914975874, ClinGen allele CA360744713.

ClinVar aggregate classification (germline): Uncertain significance (1 of 4 stars; one submission).

Conditions:
Congenital contractural arachnodactyly (CCA). Also called: BEALS SYNDROME; Beals-Hecht syndrome; Arthrogryposis, distal, type 9. Identifiers: Orphanet 115, MedGen C0220668, MONDO:0007363, OMIM 121050.

Allele frequency attached by ClinVar (database versions not stated): gnomAD exomes below 0.00001.
gnomAD v4.1: 2 of 1,611,392 alleles (0.00012%); highest among the groups gnomAD compares: Non-Finnish European, 0.00017%; no homozygotes.

Submission:

Labcorp Genetics (formerly Invitae), Labcorp
Classification: Uncertain significance for Congenital contractural arachnodactyly. Last evaluated: 2025-10-15. Review status: criteria provided, single submitter. Criteria: Invitae Variant Classification Sherloc (09022015). Collection method: clinical testing. Allele origin: germline.
Comment: This sequence change replaces isoleucine, which is neutral and non-polar, with serine, which is neutral and polar, at codon 1693 of the FBN2 protein (p.Ile1693Ser). This variant is not present in population databases (gnomAD no frequency). This variant has not been reported in the literature in individuals affected with FBN2-related conditions. ClinVar contains an entry for this variant (Variation ID: 2420715). Invitae Evidence Modeling of protein sequence and biophysical properties (such as structural, functional, and spatial information, amino acid conservation, physicochemical variation, residue mobility, and thermodynamic stability) indicates that this missense variant is not expected to disrupt FBN2 protein function with a negative predictive value of 80%. In summary, the available evidence is currently insufficient to determine the role of this variant in disease. Therefore, it has been classified as a Variant of Uncertain Significance.